The following is an entry in ClinVar:

NM_000352.6(ABCC8):c.4703G>A (p.Arg1568Gln)

Gene: ABCC8 (ATP binding cassette subfamily C member 8; minus strand). Cytogenetic location: 11p15.1.
Variant type: single nucleotide variant.
Coding change: c.4703G>A on transcript NM_000352.6 (MANE Select); coding-DNA position 4703, G replaced by A.
Protein change: p.Arg1568Gln; replaces arginine 1568 with glutamine.
Molecular consequence: missense variant. On other transcripts: non-coding transcript variant (1).
Genome position (GRCh38, 1-based): chr11:17,393,034, C>T on the plus strand (G>A on the coding strand, the complement: ABCC8 is on the minus strand). VCF-style: chr11-17393034-C-T. GRCh37 (hg19) VCF-style: chr11-17414581-C-T.
Other names: c.4706G>A, p.Arg1569Gln (NM_001287174.3); c.4769G>A, p.Arg1590Gln (NM_001351295.2); c.4703G>A, p.Arg1568Gln (NM_001351296.2); c.4700G>A, p.Arg1567Gln (NM_001351297.2); short protein forms R1567Q, R1569Q, R1568Q, R1590Q.
Identifiers: ClinVar variation 767064 (VCV000767064.14), dbSNP rs374743072, ClinGen allele CA5902380.
Genomic context (GRCh38, chr11:17,393,034, plus strand): 5'-ACTTGGGCTCTGGCAGGTCACTTGTCTGCACGGACGAAGGAGGCGAAGACGCTGTCCTTC[C>T]GGCTGAGCAGCTTCTCTGGCTTATCGAACTCAAGGATGGCACCCCGCTTCAGGACGATCA-3'
Protein context (NP_000343.2, residues 1558-1578): EFDKPEKLLS[Arg1568Gln]KDSVFASFVR

ClinVar aggregate classification (germline): Conflicting classifications of pathogenicity. Review status: criteria provided, conflicting classifications (1 of 4 stars). 5 submissions from 4 submitters: Uncertain significance (2); Benign (2). 1 of the submissions does not count toward it. Last evaluated 2026-01-26.

Conditions:
Hereditary hyperinsulinism.
Transitory neonatal diabetes mellitus. Also called: Transient neonatal diabetes mellitus. Identifiers: MedGen C0342273, MONDO:0020525, HP:0008255.
Maturity-onset diabetes of the young (MODY). Also called: Maturity onset diabetes mellitus in young. Identifiers: Orphanet 552, MedGen C0342276, MONDO:0018911, HP:0004904.
Leucine-induced hypoglycemia (LIH). Also called: LEUCINE-SENSITIVE HYPOGLYCEMIA OF INFANCY. Identifiers: MedGen C0271714, MONDO:0009415, OMIM 240800.

Allele frequency attached by ClinVar (database versions not stated): gnomAD 0.00004 and 0.00027; TOPMed 0.00006; gnomAD exomes 0.00076; ExAC 0.00086; 1000 Genomes Project 30x 0.00187; 1000 Genomes Project 0.00200.
gnomAD v4.1: 596 of 1,614,160 alleles (0.037%); highest among the groups gnomAD compares: South Asian, 0.59%; 9 homozygotes.

Submissions (5):

Labcorp Genetics (formerly Invitae), Labcorp
Classification: Benign. Last evaluated: 2026-01-26. Review status: criteria provided, single submitter. Criteria: Invitae Variant Classification Sherloc (09022015). Collection method: clinical testing. Allele origin: germline.

Dr.Nikuei Genetic Center
Classification: Benign for Leucine-induced hypoglycemia. Last evaluated: 2024-06-21. Review status: criteria provided, single submitter. Criteria: ACMG Guidelines, 2015. Collection method: clinical testing. Allele origin: germline. Affected: no.

Clinical Genomics, Uppaluri K&H Personalized Medicine Clinic
Classification: Uncertain significance for Transitory neonatal diabetes mellitus. Review status: criteria provided, single submitter. Criteria: K & H Uppaluri Personalized Medicine Clinic Variant Classification & Assertion Criteria_Updated V.1. Collection method: research. Allele origin: somatic. Inheritance: Somatic mutation.
Comment: Mutations in ABCC8 gene are associated with both neonatal diabetes mellitus as well as MODY. Patients with this mutation may have a better response to sulfonylureas. However, no sufficient evidence is found to ascertain the role of this particular variant (rs374743072 ) in neonatal diabetes yet.

Clinical Genomics, Uppaluri K&H Personalized Medicine Clinic
Classification: Uncertain significance for Maturity-onset diabetes of the young. Review status: criteria provided, single submitter. Criteria: K & H Uppaluri Personalized Medicine Clinic Variant Classification & Assertion Criteria_Updated V.1. Collection method: research. Allele origin: somatic. Inheritance: Somatic mutation.
Comment: Mutations in ABCC8 gene are associated with both neonatal diabetes mellitus as well as MODY. Patients with this mutation may have a better response to sulfonylureas. However, no sufficient evidence is found to ascertain the role of this particular variant ( rs374743072 ) in MODY yet.

Natera, Inc.
Classification: Likely benign for Hereditary hyperinsulinism. Last evaluated: 2020-04-10. Review status: no assertion criteria provided. Collection method: clinical testing. Allele origin: germline. Not counted in ClinVar's aggregate classification.

Literature cited by the submitters: PubMed 16885549 (cited by Clinical Genomics, Uppaluri K&H Personalized Medicine Clinic); PubMed 21989597 (cited by Clinical Genomics, Uppaluri K&H Personalized Medicine Clinic); PubMed 27538677 (cited by Clinical Genomics, Uppaluri K&H Personalized Medicine Clinic); PubMed 18981553 (cited by Clinical Genomics, Uppaluri K&H Personalized Medicine Clinic); PubMed 32027066 (cited by Clinical Genomics, Uppaluri K&H Personalized Medicine Clinic); PubMed 16613899 (cited by Clinical Genomics, Uppaluri K&H Personalized Medicine Clinic); PubMed 18025408 (cited by Clinical Genomics, Uppaluri K&H Personalized Medicine Clinic); PubMed 32792356 (cited by Clinical Genomics, Uppaluri K&H Personalized Medicine Clinic).